The following is an entry in ClinVar:

ClinVar aggregate classification (germline): Uncertain significance (1 of 4 stars; one submission).

Submission:

Ambry Genetics
Classification: Uncertain significance. Last evaluated: 2024-03-23. Review status: criteria provided, single submitter. Criteria: Ambry Variant Classification Scheme 2023. Collection method: clinical testing. Allele origin: germline.
Comment: The p.G245R variant (also known as c.733G>A), located in coding exon 7 of the RAD54L gene, results from a G to A substitution at nucleotide position 733. The glycine at codon 245 is replaced by arginine, an amino acid with dissimilar properties. This amino acid position is conserved. In addition, this alteration is predicted to be deleterious by in silico analysis. Based on the available evidence, the clinical significance of this alteration remains unclear.

NM_003579.4(RAD54L):c.733G>A (p.Gly245Arg)

Gene: RAD54L (RAD54 like; plus strand). Cytogenetic location: 1p34.1.
Variant type: single nucleotide variant.
Coding change: c.733G>A on transcript NM_003579.4 (MANE Select); coding-DNA position 733, G replaced by A.
Protein change: p.Gly245Arg; replaces glycine 245 with arginine.
Molecular consequence: missense variant.
Genome position (GRCh38, 1-based): chr1:46,260,982, G>A. VCF-style: chr1-46260982-G-A. GRCh37 (hg19) VCF-style: chr1-46726654-G-A.
Other names: c.733G>A, p.Gly245Arg (NM_001142548.2); c.193G>A, p.Gly65Arg (NM_001370766.1); short protein forms G245R, G65R.
Identifiers: ClinVar variation 3312447 (VCV003312447.1).